The following is an entry in ClinVar:

ClinVar aggregate classification (germline): Benign (1 of 4 stars; one submission).

Conditions:
Pitt-Hopkins-like syndrome 2 (PTHSL2). Identifiers: Orphanet 221150, Orphanet 600663, MedGen C3280479, MONDO:0013690, OMIM 614325.

Allele frequency attached by ClinVar (database versions not stated): 1000 Genomes Project 30x 0.01171; 1000 Genomes Project 0.01178; TOPMed 0.01297.

Submission:

Illumina Laboratory Services, Illumina
Classification: Benign for Pitt-Hopkins-like syndrome 2. Last evaluated: 2018-01-12. Review status: criteria provided, single submitter. Criteria: ICSL Variant Classification Criteria 13 December 2019. Collection method: clinical testing. Allele origin: germline.
Comment: This variant was observed in the ICSL laboratory as part of a predisposition screen in an ostensibly healthy population. It had not been previously curated by ICSL or reported in the Human Gene Mutation Database (HGMD: prior to June 1st, 2018), and was therefore a candidate for classification through an automated scoring system. Utilizing variant allele frequency, disease prevalence and penetrance estimates, and inheritance mode, an automated score was calculated to assess if this variant is too frequent to cause the disease. Based on the score and internal cut-off values, a variant classified as benign is not then subjected to further curation. The score for this variant resulted in a classification of benign for this disease.

NM_001330078.2(NRXN1):c.*2105A>C

Gene: NRXN1 (neurexin 1; minus strand). Cytogenetic location: 2p16.3.
Variant type: single nucleotide variant.
Coding change: c.*2105A>C on transcript NM_001330078.2 (MANE Select); 2105 bases downstream of the stop codon, A replaced by C.
Molecular consequence: 3 prime UTR variant.
Genome position (GRCh38, 1-based): chr2:49,919,839, T>G on the plus strand (A>C on the coding strand, the complement: NRXN1 is on the minus strand). VCF-style: chr2-49919839-T-G. GRCh37 (hg19) VCF-style: chr2-50146977-T-G.
Other names: c.*2105A>C (NM_001135659.3, NM_001320156.4, NM_001320157.4 and 17 more transcripts).
Identifiers: ClinVar variation 897897 (VCV000897897.4), dbSNP rs112364713, ClinGen allele CA47800685.